The following is an entry in ClinVar:

NM_000245.4(MET):c.1312C>G (p.Leu438Val)

Gene: MET (MET proto-oncogene, receptor tyrosine kinase; plus strand). Cytogenetic location: 7q31.2.
Variant type: single nucleotide variant.
Coding change: c.1312C>G on transcript NM_000245.4 (MANE Select); coding-DNA position 1312, C replaced by G.
Protein change: p.Leu438Val; replaces leucine 438 with valine.
Molecular consequence: missense variant.
Genome position (GRCh38, 1-based): chr7:116,731,779, C>G. VCF-style: chr7-116731779-C-G. GRCh37 (hg19) VCF-style: chr7-116371833-C-G.
Other names: c.1312C>G, p.Leu438Val (NM_001127500.3, NM_001324401.3); c.22C>G, p.Leu8Val (NM_001324402.2); short protein forms L438V, L8V.
Identifiers: ClinVar variation 135958 (VCV000135958.11), dbSNP rs587780733, ClinGen allele CA332658.

ClinVar aggregate classification (germline): Uncertain significance. Review status: criteria provided, multiple submitters, no conflicts (2 of 4 stars). 3 submissions from 3 submitters: Uncertain significance (3). Last evaluated 2024-10-11.

Conditions:
Renal cell carcinoma. Identifiers: Orphanet 217071, MedGen C0007134, MeSH D002292, MONDO:0005086, HP:0005584.
Autosomal recessive nonsyndromic hearing loss 97. Also called: Deafness, autosomal recessive 97. Identifiers: Orphanet 90636, MedGen C4084709, MONDO:0014739, OMIM 616705.
Hereditary cancer-predisposing syndrome. Also called: Tumor predisposition; Hereditary neoplastic syndrome; Neoplastic Syndromes, Hereditary; Hereditary Cancer Syndrome. Identifiers: Orphanet 140162, MedGen C0027672, MeSH D009386, MONDO:0015356.

Submissions (3):

Ambry Genetics
Classification: Uncertain significance for Hereditary cancer-predisposing syndrome. Last evaluated: 2024-10-11. Review status: criteria provided, single submitter. Criteria: Ambry Variant Classification Scheme 2023. Collection method: clinical testing. Allele origin: germline.
Comment: The p.L438V variant (also known as c.1312C>G), located in coding exon 2 of the MET gene, results from a C to G substitution at nucleotide position 1312. The leucine at codon 438 is replaced by valine, an amino acid with highly similar properties. This amino acid position is conserved. In addition, the in silico prediction for this alteration is inconclusive. Based on the available evidence, the clinical significance of this variant remains unclear.

Baylor Genetics
Classification: Uncertain significance for Autosomal recessive nonsyndromic hearing loss 97. Last evaluated: 2023-09-25. Review status: criteria provided, single submitter. Criteria: ACMG Guidelines, 2015. Collection method: clinical testing. Allele origin: unknown.

Labcorp Genetics (formerly Invitae), Labcorp
Classification: Uncertain significance for Renal cell carcinoma. Last evaluated: 2022-10-10. Review status: criteria provided, single submitter. Criteria: Invitae Variant Classification Sherloc (09022015). Collection method: clinical testing. Allele origin: germline.
Comment: This variant is not present in population databases (gnomAD no frequency). This sequence change replaces leucine, which is neutral and non-polar, with valine, which is neutral and non-polar, at codon 438 of the MET protein (p.Leu438Val). This variant has not been reported in the literature in individuals affected with MET-related conditions. In summary, the available evidence is currently insufficient to determine the role of this variant in disease. Therefore, it has been classified as a Variant of Uncertain Significance. Advanced modeling of protein sequence and biophysical properties (such as structural, functional, and spatial information, amino acid conservation, physicochemical variation, residue mobility, and thermodynamic stability) performed at Invitae indicates that this missense variant is expected to disrupt MET protein function. ClinVar contains an entry for this variant (Variation ID: 135958).